The following is an entry in ClinVar:

NM_001024630.3(RUNX2):c.1088delG

Gene: RUNX2 (RUNX family transcription factor 2; plus strand). Cytogenetic location: 6p21.1.
Variant type: Deletion.
Coding change: c.1088delG on transcript NM_001024630.3; coding-DNA position 1088, one base deleted (G).
Genome position (GRCh38, 1-based): chr6:45,546,827, G deleted; the last of 2 consecutive G bases (chr6:45,546,826-45,546,827); deleting either gives the same sequence. VCF-style (leftmost placement, unchanged base first): chr6-45546825-AG-A. GRCh37 (hg19) VCF-style: chr6-45514562-AG-A.
Identifiers: ClinVar variation 4998430 (VCV004998430.1).

ClinVar aggregate classification (germline): Likely pathogenic (1 of 4 stars; one submission).

Conditions:
RUNX2-related disorder. Also called: RUNX2-related condition.

Submission:

PreventionGenetics, part of Exact Sciences
Classification: Likely pathogenic for RUNX2-related condition. Last evaluated: 2025-04-08. Review status: criteria provided, single submitter. Criteria: ACMG Guidelines, 2015. Collection method: clinical testing. Allele origin: germline.
Comment: The RUNX2 c.1088delG variant is predicted to result in a frameshift and premature protein termination (p.Gly363Valfs*121). To our knowledge, this variant has not been reported in the literature or in a large population database (gnomAD), indicating this variant is rare. This variant deletes the first nucleotide of exon 9 and is predicted to result in a frameshift, or alternatively, to alter splicing based on available splicing prediction programs (SpliceAI; Jaganathan et al. 2019. PubMed ID: 30661751). Other downstream frameshift variants have been reported in association with RUNX2-related disorders (Human Gene Mutation Database) and alternate nucleotide changes affecting this splice acceptor site have also been reported in individuals with relevant clinical phenotypes, including a case of cleidocranial dysplasia (c.1088-1G>C, reported as IVS6-1G>C; Cunningham et al. 2006. PubMed ID: 16463420) and a fetus presenting with macrocephaly, short ribs, short femur length, and an absent nasal bridge (c.1088-1G>A; Supplementary Table 2, Marouane et al. 2023. PubMed ID: 38259611). Taken together, this variant is interpreted as likely pathogenic.